The following is an entry in ClinVar:

NM_001079858.3(ADGRG2):c.1830C>T (p.Gly610=)

Gene: ADGRG2 (adhesion G protein-coupled receptor G2; minus strand). Cytogenetic location: Xp22.13.
Variant type: single nucleotide variant.
Coding change: c.1830C>T on transcript NM_001079858.3 (MANE Select); coding-DNA position 1830, C replaced by T.
Protein change: p.Gly610=; no amino-acid change (glycine 610 retained).
Molecular consequence: synonymous variant.
Genome position (GRCh38, 1-based): chrX:19,006,011, G>A on the plus strand (C>T on the coding strand, the complement: ADGRG2 is on the minus strand). VCF-style: chrX-19006011-G-A. GRCh37 (hg19) VCF-style: chrX-19024129-G-A.
Other names: c.1788C>T, p.Gly596= (NM_001079859.3); c.1764C>T, p.Gly588= (NM_001079860.3); c.1782C>T, p.Gly594= (NM_001184833.2); c.1830C>T, p.Gly610= (NM_001184834.2); c.1716C>T, p.Gly572= (NM_001184835.2); c.1758C>T, p.Gly586= (NM_001184836.2); c.1740C>T, p.Gly580= (NM_001184837.2); c.1821C>T, p.Gly607= (NM_005756.4).
Identifiers: ClinVar variation 2660120 (VCV002660120.24), dbSNP rs760472140, ClinGen allele CA10362446.

ClinVar aggregate classification (germline): Likely benign (1 of 4 stars; one submission).

Allele frequency attached by ClinVar (database versions not stated): gnomAD 0.00001; ExAC 0.00002; gnomAD exomes below 0.00001; TOPMed below 0.00001.
gnomAD v4.1: 6 of 1,189,501 alleles (0.0005%); highest among the groups gnomAD compares: Non-Finnish European, 0.00068%; no homozygotes.

Submission:

CeGaT Center for Human Genetics Tuebingen
Classification: Likely benign. Last evaluated: 2022-05-01. Review status: criteria provided, single submitter. Criteria: CeGaT Center For Human Genetics Tuebingen Variant Classification Criteria Version 2. Collection method: clinical testing. Allele origin: germline. Affected: yes. Observed: 1 variant allele.
Comment: ADGRG2: BP4, BP7